The following is an entry in ClinVar:

NM_000493.4(COL10A1):c.1953del (p.Trp651fs)

Genes: COL10A1 (collagen type X alpha 1 chain; minus strand), NT5DC1 (5'-nucleotidase domain containing 1; plus strand). Cytogenetic location: 6q22.1.
Variant type: Deletion.
Coding change: c.1953del on transcript NM_000493.4 (MANE Select); coding-DNA position 1953, one base deleted (G; older notation c.1953delG).
Protein change: p.Trp651fs; shifts the reading frame from tryptophan 651.
Molecular consequence: frameshift variant. On other transcripts: intron variant (1).
Genome position (GRCh38, 1-based): chr6:116,120,163, C deleted on the plus strand (G on the coding strand, the reverse complement: COL10A1 is on the minus strand); the first of 2 consecutive C bases (chr6:116,120,163-116,120,164); deleting either gives the same sequence. VCF-style (leftmost placement, unchanged base first): chr6-116120162-GC-G. GRCh37 (hg19) VCF-style: chr6-116441325-GC-G.
Other names: c.1953del, p.Trp651fs (NM_001424106.1, NM_001424107.1); c.529+2219del (NM_152729.3); short protein forms W651fs.
Identifiers: ClinVar variation 2706514 (VCV002706514.3), dbSNP rs2534083665, ClinGen allele CA2697553660.

ClinVar aggregate classification (germline): Likely pathogenic (1 of 4 stars; one submission).

Submission:

Labcorp Genetics (formerly Invitae), Labcorp
Classification: Likely pathogenic. Last evaluated: 2023-12-30. Review status: criteria provided, single submitter. Criteria: Invitae Variant Classification Sherloc (09022015). Collection method: clinical testing. Allele origin: germline.
Comment: This sequence change creates a premature translational stop signal (p.Trp651Cysfs*26) in the COL10A1 gene. While this is not anticipated to result in nonsense mediated decay, it is expected to disrupt the last 30 amino acid(s) of the COL10A1 protein. This variant is not present in population databases (gnomAD no frequency). This variant has not been reported in the literature in individuals affected with COL10A1-related conditions. This variant is located in a region of the COL10A1 protein where a significant number of COL10A1 nonsense and frameshift mutations have been reported in association with autosomal dominant metaphyseal chondrodysplasia (PMID: 21447328, 33764685, 36400164). In summary, the currently available evidence indicates that the variant is pathogenic, but additional data are needed to prove that conclusively. Therefore, this variant has been classified as Likely Pathogenic.

Literature cited by the submitters: PubMed 21447328; PubMed 33764685; PubMed 36400164.